The following is an entry in ClinVar:

NM_001382391.1(CSPP1):c.2379_2380del (p.Lys794fs)

Gene: CSPP1 (centrosome and spindle pole associated protein 1; plus strand). Cytogenetic location: 8q13.2.
Variant type: Microsatellite.
Coding change: c.2379_2380del on transcript NM_001382391.1 (MANE Select); coding-DNA positions 2379 to 2380, 2 bases deleted (GA; older notation c.2379_2380delGA).
Protein change: p.Lys794fs; shifts the reading frame from lysine 794.
Molecular consequence: frameshift variant.
Genome position (GRCh38, 1-based): chr8:67,158,584-67,158,585, GA deleted; deleting any 2 consecutive bases within chr8:67,158,579-67,158,585 gives the same sequence; the c. name uses the placement nearest the transcript's 3' end. VCF-style (leftmost placement, unchanged base first): chr8-67158578-AAG-A. GRCh37 (hg19) VCF-style: chr8-68070813-AAG-A.
Other names: c.1329_1330del, p.Lys444fs (NM_001291339.2); c.2298_2299del, p.Lys767fs (NM_001363131.2); c.2184_2185del, p.Lys729fs (NM_001363132.2); c.2103_2104del, p.Lys702fs (NM_001363133.2); c.2445_2446del, p.Lys816fs (NM_001364869.1); c.2265_2266del, p.Lys756fs (NM_001364870.1); c.2360_2361GA[2], p.Lys789Argfs (NM_024790.7); short protein forms K816fs, K444fs, K756fs, K767fs, K702fs, K729fs, K789fs, K794fs.
Identifiers: ClinVar variation 850442 (VCV000850442.11), dbSNP rs1375090095, ClinGen allele CA582502545.

ClinVar aggregate classification (germline): Pathogenic/Likely pathogenic. Review status: criteria provided, multiple submitters, no conflicts (2 of 4 stars). 4 submissions from 4 submitters: Pathogenic (3); Likely pathogenic (1). Last evaluated 2026-02-13.

Conditions:
Joubert syndrome 21 (JBTS21). Identifiers: MedGen C3810212, MONDO:0014288, OMIM 615636.
CSPP1-related disorder. Also called: CSPP1-related condition.

Submissions (4):

GeneDx
Classification: Pathogenic. Last evaluated: 2026-02-13. Review status: criteria provided, single submitter. Criteria: GeneDx Variant Classification Process June 2021. Collection method: clinical testing. Allele origin: germline.
Comment: Frameshift variant predicted to result in protein truncation or nonsense mediated decay in a gene for which loss of function is a known mechanism of disease; Not observed at significant frequency in large population cohorts (gnomAD); Has not been previously published as pathogenic or benign in association with a CSPP1-related disorder to our knowledge; This variant is associated with the following publications: (PMID: 31964843)

Clinical Genomics Laboratory, Washington University in St. Louis
Classification: Pathogenic for Joubert syndrome 21. Last evaluated: 2025-11-29. Review status: criteria provided, single submitter. Criteria: ACMG Guidelines, 2015. Collection method: clinical testing. Allele origin: germline. Affected: yes.
Comment: The CSPP1 c.255_256del (p.His85Glnfs*24), also reported as NM_024790.6:c.363_364delTA (p.His121Glnfs*22), has been reported in four affected individuals in three unrelated families. Of those individuals, three individuals (two siblings) were homozygous for the variant while one individual was compound heterozygous for the variant and a pathogenic variant in trans (Bachmann-Gagescu R et al., PMID: 26092869; Shaheen R et al., PMID: 24360803). This variant causes a frameshift by deleting two nucleotides, leading to a premature termination codon, which is predicted to lead to nonsense mediated decay. This variant is only observed on 1/249,318 alleles in the general population (gnomAD v2.1.1), indicating it is not a common variant. This variant has been reported in the ClinVar database as a germline pathogenic variant by three submitters. Based on available information and the ACMG/AMP guidelines for variant interpretation (Richards S et al., PMID: 25741868), this variant is classified as pathogenic.The CSPP1 c.2379_2380del (p.Lys794Argfs*9) variant, to our knowledge, has not been reported in the medical literature. This variant causes a frameshift by deleting two nucleotides, leading to a premature termination codon, which is predicted to lead to nonsense mediated decay. This variant is only observed on 3/257,406 alleles in the general population (gnomAD v2.1.1), indicating it is not a common variant. This variant has been reported in the ClinVar database as a germline pathogenic variant by one submitter. Based on available information and the ACMG/AMP guidelines for variant interpretation (Richards S et al., PMID: 25741868), this variant is classified as pathogenic.

Labcorp Genetics (formerly Invitae), Labcorp
Classification: Pathogenic for Joubert syndrome 21. Last evaluated: 2025-10-28. Review status: criteria provided, single submitter. Criteria: Invitae Variant Classification Sherloc (09022015). Collection method: clinical testing. Allele origin: germline.
Comment: This sequence change creates a premature translational stop signal (p.Lys789Argfs*9) in the CSPP1 gene. It is expected to result in an absent or disrupted protein product. Loss-of-function variants in CSPP1 are known to be pathogenic (PMID: 24360807, 24360808). This variant is present in population databases (no rsID available, gnomAD 0.009%). This variant has not been reported in the literature in individuals affected with CSPP1-related conditions. ClinVar contains an entry for this variant (Variation ID: 850442). For these reasons, this variant has been classified as Pathogenic.

Blueprint Genetics
Classification: Likely pathogenic for CSPP1-related disorders. Last evaluated: 2024-06-07. Review status: criteria provided, single submitter. Criteria: ACMG Guidelines, 2015. Collection method: clinical testing. Allele origin: germline. Affected: yes. Observed: 2 variant alleles.

Literature cited by the submitters: PubMed 24360807 (cited by Labcorp Genetics (formerly Invitae), Labcorp); PubMed 24360808 (cited by Labcorp Genetics (formerly Invitae), Labcorp).